The following is an entry in ClinVar:

NM_000179.3(MSH6):c.2356T>A (p.Tyr786Asn)

Gene: MSH6 (mutS homolog 6; plus strand). Cytogenetic location: 2p16.3.
Variant type: single nucleotide variant.
Coding change: c.2356T>A on transcript NM_000179.3 (MANE Select); coding-DNA position 2356, T replaced by A.
Protein change: p.Tyr786Asn; replaces tyrosine 786 with asparagine.
Molecular consequence: missense variant.
Genome position (GRCh38, 1-based): chr2:47,800,339, T>A. VCF-style: chr2-47800339-T-A. GRCh37 (hg19) VCF-style: chr2-48027478-T-A.
Other names: c.1966T>A, p.Tyr656Asn (NM_001281492.2); c.1450T>A, p.Tyr484Asn (NM_001281493.2, NM_001281494.2); short protein forms Y786N, Y656N, Y484N.
Identifiers: ClinVar variation 495708 (VCV000495708.4), dbSNP rs773193199, ClinGen allele CA346753566.
Genomic context (GRCh38, chr2:47,800,339, plus strand): 5'-CATACTCCTTTTGGTAAGCGGCTCCTAAAGCAATGGCTTTGTGCCCCACTCTGTAACCAT[T>A]ATGCTATTAATGATCGTCTAGATGCCATAGAAGACCTCATGGTTGTGCCTGACAAAATCT-3'
Protein context (NP_000170.1, residues 776-796): QWLCAPLCNH[Tyr786Asn]AINDRLDAIE

ClinVar aggregate classification (germline): Uncertain significance. Review status: criteria provided, multiple submitters, no conflicts (2 of 4 stars). 3 submissions from 3 submitters: Uncertain significance (3). Last evaluated 2024-05-24.

Conditions:
Hereditary cancer-predisposing syndrome. Also called: Tumor predisposition; Neoplastic Syndromes, Hereditary; Hereditary neoplastic syndrome; Hereditary Cancer Syndrome. Identifiers: Orphanet 140162, MedGen C0027672, MeSH D009386, MONDO:0015356.

gnomAD v4.1: 1 of 1,614,106 alleles (0.000062%); highest among the groups gnomAD compares: Non-Finnish European, 0.000085%; no homozygotes.

Submissions (3):

Ambry Genetics
Classification: Uncertain significance for Hereditary cancer-predisposing syndrome. Last evaluated: 2024-05-24. Review status: criteria provided, single submitter. Criteria: Ambry Variant Classification Scheme 2023. Collection method: clinical testing. Allele origin: germline.
Comment: The p.Y786N variant (also known as c.2356T>A), located in coding exon 4 of the MSH6 gene, results from a T to A substitution at nucleotide position 2356. The tyrosine at codon 786 is replaced by asparagine, an amino acid with dissimilar properties. This amino acid position is conserved. In addition, this alteration is predicted to be tolerated by in silico analysis. Based on the available evidence, the clinical significance of this variant remains unclear.

Color Diagnostics, LLC DBA Color Health
Classification: Uncertain significance for Hereditary cancer-predisposing syndrome. Last evaluated: 2018-11-28. Review status: criteria provided, single submitter. Criteria: ACMG Guidelines, 2015. Collection method: clinical testing. Allele origin: germline.

Women's Health and Genetics/Laboratory Corporation of America, LabCorp
Classification: Uncertain significance. Last evaluated: 2017-04-06. Review status: criteria provided, single submitter. Criteria: LabCorp Variant Classification Summary - May 2015. Collection method: clinical testing. Allele origin: germline.
Comment: Variant summary: The MSH6 c.2356T>A (p.Tyr786Asn) variant causes a missense change involving the alteration of a non-conserved nucleotide. 3/4 in silico tools predict a benign outcome for this variant (SNPs&GO not captured due to low reliability index). This variant is absent in 121232 control chromosomes. The variant of interest has not, to our knowledge, been reported in affected individuals via publications and/or reputable databases/clinical diagnostic laboratories; nor evaluated for functional impact by in vivo/vitro studies. Because of the absence of clinical information and the lack of functional studies, the variant is classified as a variant of uncertain significance (VUS) until additional information becomes available.